The following is an entry in ClinVar:

NM_003060.4(SLC22A5):c.215G>C (p.Arg72Pro)

Gene: SLC22A5 (solute carrier family 22 member 5; plus strand). Cytogenetic location: 5q31.1.
Variant type: single nucleotide variant.
Coding change: c.215G>C on transcript NM_003060.4 (MANE Select); coding-DNA position 215, G replaced by C.
Protein change: p.Arg72Pro; replaces arginine 72 with proline.
Molecular consequence: missense variant.
Genome position (GRCh38, 1-based): chr5:132,370,187, G>C. VCF-style: chr5-132370187-G-C. GRCh37 (hg19) VCF-style: chr5-131705879-G-C.
Other names: c.215G>C, p.Arg72Pro (NM_001308122.2); short protein forms R72P.
Identifiers: ClinVar variation 934116 (VCV000934116.14), dbSNP rs1177265994, ClinGen allele CA360802605.

ClinVar aggregate classification (germline): Uncertain significance. Review status: criteria provided, single submitter (1 of 4 stars). 2 submissions from 2 submitters: Uncertain significance (1). 1 of the submissions does not count toward it. Last evaluated 2019-07-30.

Conditions:
Decreased circulating carnitine concentration. Also called: Decreased plasma carnitine. Identifiers: MedGen C5848230, HP:0003234.
Renal carnitine transport defect (CDSP). Also called: Systemic primary carnitine deficiency; Carnitine transporter deficiency; Carnitine Deficiency, Systemic; Primary carnitine deficiency; CARNITINE DEFICIENCY, SYSTEMIC, DUE TO DEFECT IN RENAL REABSORPTION OF CARNITINE; CARNITINE TRANSPORTER, PLASMA-MEMBRANE, DEFICIENCY OF. Identifiers: Orphanet 158, MedGen C0342788, MONDO:0008919, OMIM 212140.

Submissions (2):

Labcorp Genetics (formerly Invitae), Labcorp
Classification: Uncertain significance for Renal carnitine transport defect. Last evaluated: 2019-07-30. Review status: criteria provided, single submitter. Criteria: Invitae Variant Classification Sherloc (09022015). Collection method: clinical testing. Allele origin: germline.
Comment: This sequence change replaces arginine with proline at codon 72 of the SLC22A5 protein (p.Arg72Pro). The arginine residue is weakly conserved and there is a moderate physicochemical difference between arginine and proline. This variant is not present in population databases (ExAC no frequency). This variant has not been reported in the literature in individuals with SLC22A5-related conditions. Algorithms developed to predict the effect of missense changes on protein structure and function (SIFT, PolyPhen-2, Align-GVGD) all suggest that this variant is likely to be tolerated, but these predictions have not been confirmed by published functional studies and their clinical significance is uncertain. In summary, the available evidence is currently insufficient to determine the role of this variant in disease. Therefore, it has been classified as a Variant of Uncertain Significance.

Natera, Inc.
Classification: Uncertain significance for Carnitine deficiency. Last evaluated: 2020-03-11. Review status: no assertion criteria provided. Collection method: clinical testing. Allele origin: germline. Not counted in ClinVar's aggregate classification.